The following is an entry in ClinVar:

ClinVar aggregate classification (germline): Uncertain significance (1 of 4 stars; one submission).

Allele frequency attached by ClinVar (database versions not stated): TOPMed below 0.00001; gnomAD 0.00001.
gnomAD v4.1: 1 of 1,612,306 alleles (0.000062%); highest among the groups gnomAD compares: Admixed American, 0.0017%; no homozygotes.

Submission:

Ambry Genetics
Classification: Uncertain significance. Last evaluated: 2022-08-13. Review status: criteria provided, single submitter. Criteria: Ambry Variant Classification Scheme 2023. Collection method: clinical testing. Allele origin: germline.
Comment: The p.D285A variant (also known as c.854A>C), located in coding exon 10 of the NPAT gene, results from an A to C substitution at nucleotide position 854. The aspartic acid at codon 285 is replaced by alanine, an amino acid with dissimilar properties. This amino acid position is conserved. In addition, this alteration is predicted to be tolerated by in silico analysis. Since supporting evidence is limited at this time, the clinical significance of this alteration remains unclear.

NM_002519.3(NPAT):c.854A>C (p.Asp285Ala)

Gene: NPAT (nuclear protein, coactivator of histone transcription; minus strand). Cytogenetic location: 11q22.3.
Variant type: single nucleotide variant.
Coding change: c.854A>C on transcript NM_002519.3 (MANE Select); coding-DNA position 854, A replaced by C.
Protein change: p.Asp285Ala; replaces aspartic acid 285 with alanine.
Molecular consequence: missense variant.
Genome position (GRCh38, 1-based): chr11:108,185,284, T>G on the plus strand (A>C on the coding strand, the complement: NPAT is on the minus strand). VCF-style: chr11-108185284-T-G. GRCh37 (hg19) VCF-style: chr11-108056011-T-G.
Other names: c.854A>C, p.Asp285Ala (NM_001321307.1); short protein forms D285A.
Identifiers: ClinVar variation 1763804 (VCV001763804.2), dbSNP rs2078096619, ClinGen allele CA382520064.